The following is an entry in ClinVar:

NM_014391.3(ANKRD1):c.175C>G (p.Gln59Glu)

Gene: ANKRD1 (ankyrin repeat domain 1; minus strand). Cytogenetic location: 10q23.31.
Variant type: single nucleotide variant.
Coding change: c.175C>G on transcript NM_014391.3 (MANE Select); coding-DNA position 175, C replaced by G.
Protein change: p.Gln59Glu; replaces glutamine 59 with glutamic acid.
Molecular consequence: missense variant.
Genome position (GRCh38, 1-based): chr10:90,920,201, G>C on the plus strand (C>G on the coding strand, the complement: ANKRD1 is on the minus strand). VCF-style: chr10-90920201-G-C. GRCh37 (hg19) VCF-style: chr10-92679958-G-C.
Other names: short protein forms Q59E.
Identifiers: ClinVar variation 384027 (VCV000384027.8), dbSNP rs1057521825, ClinGen allele CA16606114.

ClinVar aggregate classification (germline): Uncertain significance. Review status: criteria provided, multiple submitters, no conflicts (2 of 4 stars). 3 submissions from 3 submitters: Uncertain significance (3). Last evaluated 2025-12-10.

Conditions:
ANKRD1-related dilated cardiomyopathy. Identifiers: MedGen CN119551.
Cardiovascular phenotype. Identifiers: MedGen CN230736.

Allele frequency attached by ClinVar (database versions not stated): gnomAD exomes below 0.00001; gnomAD 0.00001; TOPMed 0.00001.
gnomAD v4.1: 5 of 1,613,832 alleles (0.00031%); highest among the groups gnomAD compares: African/African-American, 0.0067%; no homozygotes.

Submissions (3):

Ambry Genetics
Classification: Uncertain significance for Cardiovascular phenotype. Last evaluated: 2025-12-10. Review status: criteria provided, single submitter. Criteria: Ambry Variant Classification Scheme 2023. Collection method: clinical testing. Allele origin: germline.
Comment: The p.Q59E variant (also known as c.175C>G), located in coding exon 2 of the ANKRD1 gene, results from a C to G substitution at nucleotide position 175. The glutamine at codon 59 is replaced by glutamic acid, an amino acid with highly similar properties. This amino acid position is well conserved in available vertebrate species. In addition, this alteration is predicted to be tolerated by in silico analysis. The evidence for this gene-disease relationship is limited; therefore, the clinical significance of this alteration is unclear.

Labcorp Genetics (formerly Invitae), Labcorp
Classification: Uncertain significance for ANKRD1-related dilated cardiomyopathy. Last evaluated: 2025-05-17. Review status: criteria provided, single submitter. Criteria: Invitae Variant Classification Sherloc (09022015). Collection method: clinical testing. Allele origin: germline.
Comment: This sequence change replaces glutamine, which is neutral and polar, with glutamic acid, which is acidic and polar, at codon 59 of the ANKRD1 protein (p.Gln59Glu). This variant is present in population databases (no rsID available, gnomAD 0.007%). This variant has not been reported in the literature in individuals affected with ANKRD1-related conditions. ClinVar contains an entry for this variant (Variation ID: 384027). Invitae Evidence Modeling of protein sequence and biophysical properties (such as structural, functional, and spatial information, amino acid conservation, physicochemical variation, residue mobility, and thermodynamic stability) indicates that this missense variant is not expected to disrupt ANKRD1 protein function with a negative predictive value of 80%. In summary, the available evidence is currently insufficient to determine the role of this variant in disease. Therefore, it has been classified as a Variant of Uncertain Significance.

GeneDx
Classification: Uncertain significance. Last evaluated: 2016-02-22. Review status: criteria provided, single submitter. Criteria: GeneDx Variant Classification (06012015). Collection method: clinical testing. Allele origin: germline. Affected: yes.
Comment: A variant of uncertain significance has been identified in the ANKRD1 gene. The Q59E variant has not been published as a pathogenic variant, nor has it been reported as a benign variant to our knowledge. The Q59E variant was not observed in approximately 6,500 individuals of European and African American ancestry in the NHLBI Exome Sequencing Project, indicating it is not a common benign variant in these populations. The Q59E variant is a semi-conservative amino acid substitution, which may impact secondary protein structure as these residues differ in some properties. However, this substitution occurs at a position that is not conserved across species and in silico analysis predicts this variant likely does not alter the protein structure/function.Therefore, based on the currently available information, it is unclear whether this variant is pathogenic or rare benign.